The following is an entry in ClinVar:

ClinVar aggregate classification (germline): Uncertain significance (1 of 4 stars; one submission).

Conditions:
EPILEPSY, CHILDHOOD ABSENCE, SUSCEPTIBILITY TO, 2 (ECA2). Identifiers: Orphanet 64280, MedGen C1843244, OMIM 607681.
Febrile seizures, familial, 8 (FEB8). Also called: CONVULSIONS, FAMILIAL FEBRILE, 8. Identifiers: Orphanet 36387, MedGen C1969810, MONDO:0011891, OMIM 607681.

Submission:

Labcorp Genetics (formerly Invitae), Labcorp
Classification: Uncertain significance for Febrile seizures, familial, 8; EPILEPSY, CHILDHOOD ABSENCE, SUSCEPTIBILITY TO, 2. Last evaluated: 2025-03-10. Review status: criteria provided, single submitter. Criteria: Invitae Variant Classification Sherloc (09022015). Collection method: clinical testing. Allele origin: germline.
Comment: This sequence change replaces glycine, which is neutral and non-polar, with arginine, which is basic and polar, at codon 432 of the GABRG2 protein (p.Gly432Arg). This variant is not present in population databases (gnomAD no frequency). This variant has not been reported in the literature in individuals affected with GABRG2-related conditions. ClinVar contains an entry for this variant (Variation ID: 2927761). Invitae Evidence Modeling of protein sequence and biophysical properties (such as structural, functional, and spatial information, amino acid conservation, physicochemical variation, residue mobility, and thermodynamic stability) has been performed for this missense variant. However, the output from this modeling did not meet the statistical confidence thresholds required to predict the impact of this variant on GABRG2 protein function. In summary, the available evidence is currently insufficient to determine the role of this variant in disease. Therefore, it has been classified as a Variant of Uncertain Significance.

NM_198904.4(GABRG2):c.1318G>A (p.Gly440Arg)

Gene: GABRG2 (gamma-aminobutyric acid type A receptor subunit gamma2; plus strand). Cytogenetic location: 5q34.
Variant type: single nucleotide variant.
Coding change: c.1318G>A on transcript NM_198904.4 (MANE Select); coding-DNA position 1318, G replaced by A.
Protein change: p.Gly440Arg; replaces glycine 440 with arginine.
Molecular consequence: missense variant. On other transcripts: 3 prime UTR variant (1).
Genome position (GRCh38, 1-based): chr5:162,153,258, G>A. VCF-style: chr5-162153258-G-A. GRCh37 (hg19) VCF-style: chr5-161580264-G-A.
Other names: c.1294G>A, p.Gly432Arg (NM_000816.3); c.1309G>A, p.Gly437Arg (NM_001375339.1); c.*152G>A (NM_001375340.1); c.1315G>A, p.Gly439Arg (NM_001375341.1); c.1291G>A, p.Gly431Arg (NM_001375342.1); c.1414G>A, p.Gly472Arg (NM_001375343.1); c.1357G>A, p.Gly453Arg (NM_001375344.1); c.1228G>A, p.Gly410Arg (NM_001375345.1); and 6 more; short protein forms G300R, G410R, G418R, G431R, G292R, G337R, G411R, G432R.
Identifiers: ClinVar variation 2927761 (VCV002927761.3), dbSNP rs2532775449, ClinGen allele CA362183799.